The following is an entry in ClinVar:

NM_003681.5(PDXK):c.110C>T (p.Ala37Val)

Gene: PDXK (pyridoxal kinase; plus strand). Cytogenetic location: 21q22.3.
Variant type: single nucleotide variant.
Coding change: c.110C>T on transcript NM_003681.5 (MANE Select); coding-DNA position 110, C replaced by T.
Protein change: p.Ala37Val; replaces alanine 37 with valine.
Molecular consequence: missense variant.
Genome position (GRCh38, 1-based): chr21:43,734,091, C>T. VCF-style: chr21-43734091-C-T. GRCh37 (hg19) VCF-style: chr21-45153972-C-T.
Other names: short protein forms A37V.
Identifiers: ClinVar variation 3416708 (VCV003416708.8).

ClinVar aggregate classification (germline): Uncertain significance. Review status: criteria provided, multiple submitters, no conflicts (2 of 4 stars). 2 submissions from 2 submitters: Uncertain significance (2). Last evaluated 2025-04-01.

gnomAD v4.1: 36 of 1,614,050 alleles (0.0022%); highest among the groups gnomAD compares: Middle Eastern, 0.016%; no homozygotes.

Submissions (2):

CeGaT Center for Human Genetics Tuebingen
Classification: Uncertain significance. Last evaluated: 2025-04-01. Review status: criteria provided, single submitter. Criteria: CeGaT Center For Human Genetics Tuebingen Variant Classification Criteria Version 2. Collection method: clinical testing. Allele origin: germline. Affected: yes. Observed: 1 variant allele.
Comment: PDXK: PM2

Ambry Genetics
Classification: Uncertain significance. Last evaluated: 2024-07-02. Review status: criteria provided, single submitter. Criteria: Ambry Variant Classification Scheme 2023. Collection method: clinical testing. Allele origin: germline.